The following is an entry in ClinVar:

NM_005120.3(MED12):c.1744+6G>A

Genes: MED12 (mediator complex subunit 12; plus strand), LOC126863275 (BRD4-independent group 4 enhancer GRCh37_chrX:70342400-70343599; plus strand). Cytogenetic location: Xq13.1.
Variant type: single nucleotide variant.
Coding change: c.1744+6G>A on transcript NM_005120.3 (MANE Select); 6 bases into the intron after coding-DNA position 1744, G replaced by A.
Molecular consequence: intron variant.
Genome position (GRCh38, 1-based): chrX:71,123,726, G>A. VCF-style: chrX-71123726-G-A. GRCh37 (hg19) VCF-style: chrX-70343576-G-A.
Other names: p.?.
Identifiers: ClinVar variation 2858001 (VCV002858001.4), dbSNP rs745352764, ClinGen allele CA10444224.
Genomic context (GRCh38, chrX:71,123,726, plus strand): 5'-CCCATTTTCCAGGATGTCCTCCTGCAGTTTCTGGATACACAGGCTCCCATGCTGAGTACG[G>A]ACCCCTACCACTCTCTAGTTACCTCTGCCTAGACTCAGTTACCCACCACTGTCATCAGAA-3'

ClinVar aggregate classification (germline): Conflicting classifications of pathogenicity. Review status: criteria provided, conflicting classifications (1 of 4 stars). 2 submissions from 2 submitters: Uncertain significance (1); Likely benign (1). Last evaluated 2025-11-26.

Conditions:
FG syndrome (FGS). Identifiers: MedGen C0220769, MONDO:0002010.

Allele frequency attached by ClinVar (database versions not stated): ExAC 0.00003.

Submissions (2):

Mayo Clinic Laboratories, Mayo Clinic
Classification: Likely benign. Last evaluated: 2025-11-26. Review status: criteria provided, single submitter. Criteria: ACMG Guidelines, 2015. Collection method: clinical testing. Allele origin: germline. Observed: 1 variant allele.
Comment: BP4, BP7, PM2_supporting

Labcorp Genetics (formerly Invitae), Labcorp
Classification: Uncertain significance for FG syndrome. Last evaluated: 2025-09-22. Review status: criteria provided, single submitter. Criteria: Invitae Variant Classification Sherloc (09022015). Collection method: clinical testing. Allele origin: germline.
Comment: This sequence change falls in intron 12 of the MED12 gene. It does not directly change the encoded amino acid sequence of the MED12 protein. It affects a nucleotide within the consensus splice site. The frequency data for this variant in the population databases is considered unreliable, as metrics indicate poor data quality at this position in the gnomAD database. This variant has not been reported in the literature in individuals affected with MED12-related conditions. ClinVar contains an entry for this variant (Variation ID: 2858001). Variants that disrupt the consensus splice site are a relatively common cause of aberrant splicing (PMID: 17576681, 9536098). Algorithms developed to predict the effect of sequence changes on RNA splicing suggest that this variant is not likely to affect RNA splicing. In summary, the available evidence is currently insufficient to determine the role of this variant in disease. Therefore, it has been classified as a Variant of Uncertain Significance.

Literature cited by the submitters: PubMed 17576681 (cited by Labcorp Genetics (formerly Invitae), Labcorp); PubMed 9536098 (cited by Labcorp Genetics (formerly Invitae), Labcorp).